The following is an entry in ClinVar:

NM_000521.4(HEXB):c.1614-14C>A

Gene: HEXB (hexosaminidase subunit beta; plus strand). Cytogenetic location: 5q13.3.
Variant type: single nucleotide variant.
Coding change: c.1614-14C>A on transcript NM_000521.4 (MANE Select); 14 bases into the intron before coding-DNA position 1614, C replaced by A.
Molecular consequence: intron variant.
Genome position (GRCh38, 1-based): chr5:74,721,104, C>A. VCF-style: chr5-74721104-C-A. GRCh37 (hg19) VCF-style: chr5-74016929-C-A.
Other names: c.939-14C>A (NM_001292004.2).
Identifiers: ClinVar variation 93199 (VCV000093199.61), dbSNP rs201448394, ClinGen allele CA146738.

ClinVar aggregate classification (germline): Benign/Likely benign. Review status: criteria provided, multiple submitters, no conflicts (2 of 4 stars). 9 submissions from 9 submitters: Benign (3); Likely benign (4). 2 of the submissions do not count toward it. Last evaluated 2026-02-03.

Conditions:
Sandhoff disease. Also called: GM2-GANGLIOSIDOSIS, TYPE II; HEXOSAMINIDASES A AND B DEFICIENCY; Beta-hexosaminidase-beta-subunit deficiency; GM2 gangliosidosis, type 2; Total hexosaminidase deficiency; Sandhoff-Jatzkewitz-Pilz disease. Identifiers: Orphanet 796, MedGen C0036161, MONDO:0010006, OMIM 268800.

Allele frequency attached by ClinVar (database versions not stated): ExAC 0.00008; ESP Exome Variant Server 0.00015; 1000 Genomes Project 30x 0.00016; gnomAD exomes 0.00016 and 0.00029; gnomAD 0.00018 and 0.00019; TOPMed 0.00018; 1000 Genomes Project 0.00020.
gnomAD v4.1: 436 of 1,585,130 alleles (0.028%); highest among the groups gnomAD compares: Non-Finnish European, 0.035%; no homozygotes.

Submissions (9):

Labcorp Genetics (formerly Invitae), Labcorp
Classification: Likely benign for Sandhoff disease. Last evaluated: 2026-02-03. Review status: criteria provided, single submitter. Criteria: Invitae Variant Classification Sherloc (09022015). Collection method: clinical testing. Allele origin: germline.

CeGaT Center for Human Genetics Tuebingen
Classification: Likely benign. Last evaluated: 2026-01-01. Review status: criteria provided, single submitter. Criteria: CeGaT Center For Human Genetics Tuebingen Variant Classification Criteria Version 2. Collection method: clinical testing. Allele origin: germline. Affected: yes. Observed: 3 variant alleles.
Comment: HEXB: BP2

Women's Health and Genetics/Laboratory Corporation of America, LabCorp
Classification: Benign. Last evaluated: 2018-12-10. Review status: criteria provided, single submitter. Criteria: LabCorp Variant Classification Summary - May 2015. Collection method: clinical testing. Allele origin: germline.
Comment: Variant summary: HEXB c.1614-14C>A alters a non-conserved nucleotide located close to a canonical splice site and therefore could affect mRNA splicing, leading to a significantly altered protein sequence. 5/5 computational tools predict no significant impact on normal splicing, which a functional study, Sobek_2012, supports these predictions. The variant allele was found at a frequency of 0.00017 in 277098 control chromosomes (gnomAD and publication). This frequency is not significantly higher than expected for a pathogenic variant in HEXB causing Sandhoff Disease (0.00017 vs 0.0015), allowing no conclusion about variant significance. c.1614-14C>A has been reported in the literature in individuals affected with Sandhoff Disease (Giagnard_2013, Jarnes_2017, Sobek_2012). Although multiple reported affected individuals carried the variant in cis with another pathogenic HEXB variant, in particular, the exon 1-5 deletion, c.-117_669del was reported to be linked with the variant (Sobek_2012). Two ClinVar submissions from clinical diagnostic laboratories (evaluation after 2014) cite the variant as likely benign. Based on the evidence outlined above, the variant was classified as benign.

Illumina Laboratory Services, Illumina
Classification: Likely benign for Sandhoff disease. Last evaluated: 2017-04-27. Review status: criteria provided, single submitter. Criteria: ICSL Variant Classification Criteria 13 December 2019. Collection method: clinical testing. Allele origin: germline.
Comment: This variant was observed as part of a predisposition screen in an ostensibly healthy population. A literature search was performed for the gene, cDNA change, and amino acid change (where applicable). Publications were found based on this search. The evidence from the literature, in combination with allele frequency data from public databases where available, was sufficient to determine this variant is unlikely to cause disease. Therefore, this variant is classified as likely benign.

GeneDx
Classification: Likely benign. Last evaluated: 2017-02-17. Review status: criteria provided, single submitter. Criteria: GeneDx Variant Classification (06012015). Collection method: clinical testing. Allele origin: germline. Affected: yes.
Comment: This variant is considered likely benign or benign based on one or more of the following criteria: it is a conservative change, it occurs at a poorly conserved position in the protein, it is predicted to be benign by multiple in silico algorithms, and/or has population frequency not consistent with disease.

Eurofins Ntd Llc (ga)
Classification: Benign. Last evaluated: 2012-08-29. Review status: criteria provided, single submitter. Criteria: EGL Classification Definitions 2015. Collection method: clinical testing. Allele origin: germline. Observed: 16 variant alleles, 15 heterozygotes, 1 homozygote.

PreventionGenetics, part of Exact Sciences
Classification: Benign. Review status: criteria provided, single submitter. Criteria: ACMG Guidelines, 2015. Collection method: clinical testing. Allele origin: germline.

Natera, Inc.
Classification: Likely benign for Sandhoff disease. Last evaluated: 2020-04-03. Review status: no assertion criteria provided. Collection method: clinical testing. Allele origin: germline. Not counted in ClinVar's aggregate classification.

Counsyl
Classification: Likely benign for Sandhoff disease. Last evaluated: 2018-03-05. Review status: no assertion criteria provided. Collection method: clinical testing. Allele origin: unknown. Not counted in ClinVar's aggregate classification.

Literature cited by the submitters: PubMed 23046579 (cited by 3 submitters); PubMed 23010210 (cited by 3 submitters); PubMed 28476546 (cited by Counsyl).